The following is an entry in ClinVar:

ClinVar aggregate classification (germline): Uncertain significance. Review status: criteria provided, multiple submitters, no conflicts (2 of 4 stars). 2 submissions from 2 submitters: Uncertain significance (2). Last evaluated 2025-08-20.

Conditions:
Inborn genetic diseases. Identifiers: MedGen C0950123, MeSH D030342.

Allele frequency attached by ClinVar (database versions not stated): gnomAD exomes 0.00001 and 0.00003; ExAC 0.00002; gnomAD 0.00016 and 0.00017; TOPMed 0.00022; 1000 Genomes Project 30x 0.00031; 1000 Genomes Project 0.00040.
gnomAD v4.1: 44 of 1,614,232 alleles (0.0027%); highest among the groups gnomAD compares: Admixed American, 0.05%; no homozygotes.

Submissions (2):

Ambry Genetics
Classification: Uncertain significance for Inborn genetic diseases. Last evaluated: 2025-08-20. Review status: criteria provided, single submitter. Criteria: Ambry Variant Classification Scheme 2023. Collection method: clinical testing. Allele origin: germline.

Labcorp Genetics (formerly Invitae), Labcorp
Classification: Uncertain significance. Last evaluated: 2022-08-15. Review status: criteria provided, single submitter. Criteria: Invitae Variant Classification Sherloc (09022015). Collection method: clinical testing. Allele origin: germline.
Comment: This sequence change replaces aspartic acid, which is acidic and polar, with valine, which is neutral and non-polar, at codon 174 of the DTNBP1 protein (p.Asp174Val). This variant is present in population databases (rs200731587, gnomAD 0.01%). This variant has not been reported in the literature in individuals affected with DTNBP1-related conditions. ClinVar contains an entry for this variant (Variation ID: 1430761). Algorithms developed to predict the effect of missense changes on protein structure and function (SIFT, PolyPhen-2, Align-GVGD) all suggest that this variant is likely to be disruptive. In summary, the available evidence is currently insufficient to determine the role of this variant in disease. Therefore, it has been classified as a Variant of Uncertain Significance.

NM_032122.5(DTNBP1):c.521A>T (p.Asp174Val)

Gene: DTNBP1 (dystrobrevin binding protein 1; minus strand). Cytogenetic location: 6p22.3.
Variant type: single nucleotide variant.
Coding change: c.521A>T on transcript NM_032122.5 (MANE Select); coding-DNA position 521, A replaced by T.
Protein change: p.Asp174Val; replaces aspartic acid 174 with valine.
Molecular consequence: missense variant. On other transcripts: non-coding transcript variant (1).
Genome position (GRCh38, 1-based): chr6:15,533,386, T>A on the plus strand (A>T on the coding strand, the complement: DTNBP1 is on the minus strand). VCF-style: chr6-15533386-T-A. GRCh37 (hg19) VCF-style: chr6-15533617-T-A.
Other names: c.521A>T (NM_032122.4); c.278A>T, p.Asp93Val (NM_001271667.2); c.470A>T, p.Asp157Val (NM_001271668.2); c.416A>T, p.Asp139Val (NM_001271669.2); c.521A>T, p.Asp174Val (NM_183040.2); short protein forms D139V, D93V, D157V, D174V.
Identifiers: ClinVar variation 1430761 (VCV001430761.4), dbSNP rs200731587, ClinGen allele CA3643996.